The following is an entry in ClinVar:

NM_207111.4(RNF216):c.728G>A (p.Arg243His)

Gene: RNF216 (ring finger protein 216; minus strand). Cytogenetic location: 7p22.1.
Variant type: single nucleotide variant.
Coding change: c.728G>A on transcript NM_207111.4 (MANE Select); coding-DNA position 728, G replaced by A.
Protein change: p.Arg243His; replaces arginine 243 with histidine.
Molecular consequence: missense variant.
Genome position (GRCh38, 1-based): chr7:5,741,289, C>T on the plus strand (G>A on the coding strand, the complement: RNF216 is on the minus strand). VCF-style: chr7-5741289-C-T. GRCh37 (hg19) VCF-style: chr7-5780920-C-T.
Other names: c.557G>A, p.Arg186His (NM_001377156.1, NM_207116.3); short protein forms R186H, R243H.
Identifiers: ClinVar variation 2418394 (VCV002418394.6), dbSNP rs747054051, ClinGen allele CA4148469.

ClinVar aggregate classification (germline): Uncertain significance (1 of 4 stars; one submission).

Allele frequency attached by ClinVar (database versions not stated): ExAC 0.00002.
gnomAD v4.1: 19 of 1,613,904 alleles (0.0012%); highest among the groups gnomAD compares: East Asian, 0.0022%; no homozygotes.

Submission:

Labcorp Genetics (formerly Invitae), Labcorp
Classification: Uncertain significance. Last evaluated: 2022-08-12. Review status: criteria provided, single submitter. Criteria: Invitae Variant Classification Sherloc (09022015). Collection method: clinical testing. Allele origin: germline.
Comment: In summary, the available evidence is currently insufficient to determine the role of this variant in disease. Therefore, it has been classified as a Variant of Uncertain Significance. Algorithms developed to predict the effect of missense changes on protein structure and function output the following: SIFT: "Tolerated"; PolyPhen-2: "Benign"; Align-GVGD: "Class C0". The histidine amino acid residue is found in multiple mammalian species, which suggests that this missense change does not adversely affect protein function. This variant has not been reported in the literature in individuals affected with RNF216-related conditions. This variant is present in population databases (rs747054051, gnomAD 0.002%). This sequence change replaces arginine, which is basic and polar, with histidine, which is basic and polar, at codon 243 of the RNF216 protein (p.Arg243His).